The following is an entry in ClinVar:

GRCh38/hg38 Xp22.33(chrX:635661-1131068)x3

Genes: CNE4 (CNE4 enhancer downstream of SHOX; plus strand), CNE5 (CNE5 enhancer downstream of SHOX; plus strand), CNE6 (CNE6 enhancer downstream of SHOX; plus strand), CNE7 (CNE7 enhancer downstream of SHOX; plus strand), CNE8 (CNE8 enhancer downstream of SHOX; plus strand) and 5 more. Cytogenetic location: Xp22.33.
Variant type: copy number gain.
Change: copy number 3 of chrX:635,661-1,131,068 (495.4 kb, GRCh38 coordinates, 1-based), cytogenetic band Xp22.33.
Identifiers: ClinVar variation 4852097 (VCV004852097.1).

ClinVar aggregate classification (germline): Uncertain significance (1 of 4 stars; one submission).

Submission:

Clinical Genomics Laboratory, Laboratory for Precision Diagnostics, University of Washington
Classification: Uncertain significance. Last evaluated: 2022-04-02. Review status: criteria provided, single submitter. Criteria: ACMG/ClinGen CNV Guidelines, 2019. Collection method: clinical testing. Allele origin: unknown. Affected: yes. Observed: 1 variant allele.
Comment: This duplication is approximately 495 kb in size and contains the last two or three exons of SHOX. No other genes are involved in the duplication. This duplication is located in the Xp/Yp pseudoautosomal region, and could originate from either the X or Y chromosome. The distal breakpoint of the duplication is likely within intron 2 of SHOX (NM_000451.4). It is unknown if this duplication disrupts SHOX or affects its expression. Loss of function of one copy of SHOX from either the X or Y chromosome is associated with Leri-Weill dyschondrosteosis (OMIM 127300) at the severe end of the spectrum to nonspecific short stature.